The following is an entry in ClinVar:

NM_001048174.2(MUTYH):c.1552dup (p.Ser518fs)

Gene: MUTYH (mutY DNA glycosylase; minus strand). Cytogenetic location: 1p34.1.
Variant type: Duplication.
Coding change: c.1552dup on transcript NM_001048174.2 (MANE Select); coding-DNA position 1552, one base duplicated (A; older notation c.1552dupA).
Protein change: p.Ser518fs; shifts the reading frame from serine 518.
Molecular consequence: frameshift variant. On other transcripts: non-coding transcript variant (2).
Genome position (GRCh38, 1-based): chr1:45,329,320, T duplicated on the plus strand (A on the coding strand, the reverse complement: MUTYH is on the minus strand). VCF-style (leftmost placement, unchanged base first): chr1-45329319-C-CT. GRCh37 (hg19) VCF-style: chr1-45794991-C-CT.
Other names: c.1552dup, p.Ser518fs (NM_001048171.2, NM_001048173.2, NM_001293195.2); c.1555dup, p.Ser519fs (NM_001048172.2); c.1636dup, p.Ser546fs (NM_001128425.2); c.1597dup, p.Ser533fs (NM_001293190.2); c.1585dup, p.Ser529fs (NM_001293191.2); c.1276dup, p.Ser426fs (NM_001293192.2, NM_001293196.2); c.1636dupA (NM_001128425.1); c.1207dup, p.Ser403fs (NM_001350650.2, NM_001350651.2); and 1 more; short protein forms S403fs, S533fs, S543fs, S546fs, S519fs, S518fs, S426fs, S529fs.
Identifiers: ClinVar variation 967459 (VCV000967459.8), dbSNP rs1644347050, ClinGen allele CA1139655476.

ClinVar aggregate classification (germline): Uncertain significance. Review status: criteria provided, multiple submitters, no conflicts (2 of 4 stars). 2 submissions from 2 submitters: Uncertain significance (2). Last evaluated 2025-03-30.

Conditions:
Hereditary cancer-predisposing syndrome. Also called: Tumor predisposition; Hereditary Cancer Syndrome; Neoplastic Syndromes, Hereditary; Hereditary neoplastic syndrome. Identifiers: Orphanet 140162, MedGen C0027672, MeSH D009386, MONDO:0015356.
Familial adenomatous polyposis 2. Also called: COLORECTAL ADENOMATOUS POLYPOSIS, AUTOSOMAL RECESSIVE; ADENOMAS, MULTIPLE COLORECTAL, AUTOSOMAL RECESSIVE; MYH-associated polyposis; FAP type 2; MUTYH-associated polyposis; MUTYH-related attenuated familial adenomatous polyposis. Identifiers: Orphanet 220460, Orphanet 247798, MedGen C3272841, MONDO:0012041, OMIM 608456.

Submissions (2):

Ambry Genetics
Classification: Uncertain significance for Hereditary cancer-predisposing syndrome. Last evaluated: 2025-03-30. Review status: criteria provided, single submitter. Criteria: Ambry Variant Classification Scheme 2023. Collection method: clinical testing. Allele origin: germline.
Comment: The c.1636dupA variant, located in coding exon 16 of the MUTYH gene, results from a duplication of A at nucleotide position 1636, causing a translational frameshift with a predicted alternate stop codon (p.S546Kfs*14). This alteration occurs at the 3' terminus of theMUTYH gene, is not expected to trigger nonsense-mediated mRNAdecay and results in the elongation of the protein by 9 amino acids. This frameshift impacts the last 4amino acids of the native protein. The exact functional effect of the altered amino acids is unknown. Based on the available evidence, the clinical significance of this variant remains unclear.

Labcorp Genetics (formerly Invitae), Labcorp
Classification: Uncertain significance for Familial adenomatous polyposis 2. Last evaluated: 2024-03-21. Review status: criteria provided, single submitter. Criteria: Invitae Variant Classification Sherloc (09022015). Collection method: clinical testing. Allele origin: germline.
Comment: This sequence change results in a frameshift in the MUTYH gene (p.Ser546Lysfs*14). While this is not anticipated to result in nonsense mediated decay, it is expected to disrupt the last 4 amino acid(s) of the MUTYH protein and extend the protein by 9 additional amino acid residues. This variant is not present in population databases (gnomAD no frequency). This variant has not been reported in the literature in individuals affected with MUTYH-related conditions. ClinVar contains an entry for this variant (Variation ID: 967459). Experimental studies and prediction algorithms are not available or were not evaluated, and the functional significance of this variant is currently unknown. In summary, the available evidence is currently insufficient to determine the role of this variant in disease. Therefore, it has been classified as a Variant of Uncertain Significance.